The following is an entry in ClinVar:

NM_017882.3(CLN6):c.34G>A (p.Ala12Thr)

Gene: CLN6 (CLN6 transmembrane ER protein; minus strand). Cytogenetic location: 15q23.
Variant type: single nucleotide variant.
Coding change: c.34G>A on transcript NM_017882.3 (MANE Select); coding-DNA position 34, G replaced by A.
Protein change: p.Ala12Thr; replaces alanine 12 with threonine.
Molecular consequence: missense variant.
Genome position (GRCh38, 1-based): chr15:68,229,551, C>T on the plus strand (G>A on the coding strand, the complement: CLN6 is on the minus strand). VCF-style: chr15-68229551-C-T. GRCh37 (hg19) VCF-style: chr15-68521889-C-T.
Other names: p.A12T:GCG>ACG; NM_017882.2(CLN6):c.34G>A(p.Ala12Thr); short protein forms A12T.
Identifiers: ClinVar variation 136802 (VCV000136802.72), dbSNP rs112239768, ClinGen allele CA302669.

ClinVar aggregate classification (germline): Conflicting classifications of pathogenicity. Review status: criteria provided, conflicting classifications (1 of 4 stars). 17 submissions from 17 submitters: Uncertain significance (1); Benign (9); Likely benign (4). 3 of the submissions do not count toward it. Last evaluated 2026-09-01.

Conditions:
Inborn genetic diseases. Identifiers: MedGen C0950123, MeSH D030342.
Ceroid lipofuscinosis, neuronal, 6A. Also called: Neuronal ceroid lipofuscinosis, Gypsy/Indian early juvenile variant; Neuronal ceroid lipofuscinosis 6; CLN6-Related Neuronal Ceroid-Lipofuscinosis; Neuronal ceroid lipofuscinosis, late infantile, variant. Identifiers: Orphanet 168491, Orphanet 228363, MedGen C5551375, MONDO:0011144, OMIM 601780.
Ceroid lipofuscinosis, neuronal, 6B (Kufs type). Also called: Neuronal ceroid lipofuscinosis 4A. Identifiers: Orphanet 700477, MedGen C5561927, MONDO:0008768, OMIM 204300.
Neuronal ceroid lipofuscinosis. Also called: Neuronal Ceroid Lipofuscinoses. Identifiers: Orphanet 216, Orphanet 79263, MedGen C0027877, MONDO:0016295. Disease mechanism: loss of function.

Allele frequency attached by ClinVar (database versions not stated): 1000 Genomes Project 30x 0.00406; TOPMed 0.01031; gnomAD 0.01048 and 0.01081; 1000 Genomes Project 0.00339; gnomAD exomes 0.01000 and 0.01659; ExAC 0.00502.
gnomAD v4.1: 23,279 of 1,469,292 alleles (1.6%); highest among the groups gnomAD compares: Non-Finnish European, 1.9%; 204 homozygotes.

Submissions (17):

CeGaT Center for Human Genetics Tuebingen
Classification: Benign. Last evaluated: 2026-09-01. Review status: criteria provided, single submitter. Criteria: CeGaT Center For Human Genetics Tuebingen Variant Classification Criteria Version 2. Collection method: clinical testing. Allele origin: germline. Affected: yes. Observed: 61 variant alleles.
Comment: CLN6: PP3, BS1, BS2

Labcorp Genetics (formerly Invitae), Labcorp
Classification: Benign for Neuronal ceroid lipofuscinosis. Last evaluated: 2026-02-04. Review status: criteria provided, single submitter. Criteria: Invitae Variant Classification Sherloc (09022015). Collection method: clinical testing. Allele origin: germline.

ARUP Laboratories, Molecular Genetics and Genomics, ARUP Laboratories
Classification: Benign. Last evaluated: 2025-07-17. Review status: criteria provided, single submitter. Criteria: ARUP Molecular Germline Variant Investigation Process 2024. Collection method: clinical testing. Allele origin: germline.

Blueprint Genetics
Classification: Likely benign. Last evaluated: 2024-11-28. Review status: criteria provided, single submitter. Criteria: ACMG Guidelines, 2015. Collection method: clinical testing. Allele origin: germline.

Athena Diagnostics
Classification: Benign. Last evaluated: 2024-02-01. Review status: criteria provided, single submitter. Criteria: Athena Diagnostics Criteria. Collection method: clinical testing. Allele origin: unknown.

Women's Health and Genetics/Laboratory Corporation of America, LabCorp
Classification: Likely benign. Last evaluated: 2021-12-10. Review status: criteria provided, single submitter. Criteria: LabCorp Variant Classification Summary - May 2015. Collection method: clinical testing. Allele origin: germline.

Mendelics
Classification: Benign for Neuronal ceroid lipofuscinosis 1. Last evaluated: 2019-05-28. Review status: criteria provided, single submitter. Criteria: Mendelics Assertion Criteria 2017. Collection method: clinical testing. Allele origin: unknown.

GeneDx
Classification: Benign. Last evaluated: 2018-12-12. Review status: criteria provided, single submitter. Criteria: GeneDx Variant Classification Process June 2021. Collection method: clinical testing. Allele origin: germline. Affected: yes.
Comment: This variant is associated with the following publications: (PMID: 21990111, 29482223)

SIB Swiss Institute of Bioinformatics
Classification: Benign for Ceroid lipofuscinosis, neuronal, 6A. Last evaluated: 2018-05-31. Review status: criteria provided, single submitter. Criteria: ACMG Guidelines, 2015. Collection method: curation. Allele origin: unknown.
Comment: This variant is interpreted as a Benign, for Ceroid lipofuscinosis, neuronal, 6, in Autosomal Recessive manner. The following ACMG Tag(s) were applied: BS1 => Allele frequency is greater than expected for disorder. BS2 => Observed in a healthy adult individual for a recessive (homozygous), dominant (heterozygous), or X-linked (hemizygous) disorder, with full penetrance expected at an early age.

Ambry Genetics
Classification: Benign for Inborn genetic diseases. Last evaluated: 2017-05-24. Review status: criteria provided, single submitter. Criteria: Ambry Variant Classification Scheme 2023. Collection method: clinical testing. Allele origin: germline.

Illumina Laboratory Services, Illumina
Classification: Uncertain significance for Neuronal ceroid lipofuscinosis. Last evaluated: 2017-04-27. Review status: criteria provided, single submitter. Criteria: ICSL Variant Classification Criteria 13 December 2019. Collection method: clinical testing. Allele origin: germline.

Genetic Services Laboratory, University of Chicago
Classification: Likely benign. Last evaluated: 2015-04-16. Review status: criteria provided, single submitter. Criteria: ACMG Guidelines, 2015. Collection method: clinical testing. Allele origin: germline.

Eurofins Ntd Llc (ga)
Classification: Benign. Last evaluated: 2015-01-29. Review status: criteria provided, single submitter. Criteria: EGL Classification Definitions 2015. Collection method: clinical testing. Allele origin: germline. Observed: 11 variant alleles, 11 heterozygotes.

Center for Genomics, Ann and Robert H. Lurie Children's Hospital of Chicago
Classification: Likely benign for Ceroid lipofuscinosis, neuronal, 6B (Kufs type); Ceroid lipofuscinosis, neuronal, 6A. Review status: criteria provided, single submitter. Criteria: ACMG Guidelines, 2015. Collection method: clinical testing. Allele origin: germline.
Comment: CLN6 NM_017882.2 p.Ala12Thr (c.34G>A): This variant has been reported in the literature in at least 2 individuals (1 with neuronal ceroid lipofuscinosis and 1 with cerebellar ataxia) (Kousi 2012 PMID:21990111, Coutelier 2018 PMID:29482223). However, this variant is present in 1.7% (1216/67944) of European alleles including 11 homozygotes in the Genome Aggregation Database. Evolutionary conservation and computational predictive tools for this variant are unclear. This variant is present in ClinVar, with several labs classifying this variant as Likely Benign or Benign (Variation ID:136802). In summary, data on this variant suggests that this variant does not cause disease, but requires further evidence. Therefore this variant is classified as likely benign.

Mayo Clinic Laboratories, Mayo Clinic
Classification: Uncertain significance. Last evaluated: 2017-04-19. Review status: no assertion criteria provided. Collection method: clinical testing. Allele origin: unknown. Not counted in ClinVar's aggregate classification.

Diagnostic Laboratory, Department of Genetics, University Medical Center Groningen
Classification: Likely benign. Review status: no assertion criteria provided. Collection method: clinical testing. Allele origin: germline. Affected: yes. Study: VKGL Data-share Consensus. Not counted in ClinVar's aggregate classification.

Genome Diagnostics Laboratory, University Medical Center Utrecht
Classification: Likely benign. Review status: no assertion criteria provided. Collection method: clinical testing. Allele origin: germline. Affected: yes. Study: VKGL Data-share Consensus. Not counted in ClinVar's aggregate classification.

Literature cited by the submitters: PubMed 29482223 (cited by Athena Diagnostics); PubMed 21990111 (cited by Athena Diagnostics and Eurofins Ntd Llc (ga)).